The following is an entry in ClinVar:

NM_182961.4(SYNE1):c.7042G>T (p.Glu2348Ter)

Gene: SYNE1 (spectrin repeat containing nuclear envelope protein 1; minus strand). Cytogenetic location: 6q25.2.
Variant type: single nucleotide variant.
Coding change: c.7042G>T on transcript NM_182961.4 (MANE Select); coding-DNA position 7042, G replaced by T.
Protein change: p.Glu2348Ter; replaces glutamic acid 2348 with a stop codon.
Molecular consequence: nonsense.
Genome position (GRCh38, 1-based): chr6:152,399,811, C>A on the plus strand (G>T on the coding strand, the complement: SYNE1 is on the minus strand). VCF-style: chr6-152399811-C-A. GRCh37 (hg19) VCF-style: chr6-152720946-C-A.
Other names: c.7063G>T, p.Glu2355Ter (NM_033071.5); short protein forms E2348*, E2355*.
Identifiers: ClinVar variation 4818868 (VCV004818868.1).
Genomic context (GRCh38, chr6:152,399,811, plus strand): 5'-GGCACAAGCTATTGAGATTTTCTTGGGTAGAGCTGATGTTGCTTTGTTGACTTTGAAGTT[C>A]TTTTTGTATATCCTACAGAATAAAAGTATATTATGAAGGATATTCATAACTTGAGAGAAA-3'

ClinVar aggregate classification (germline): Likely pathogenic (1 of 4 stars; one submission).

Conditions:
Emery-Dreifuss muscular dystrophy 4, autosomal dominant (EDMD4). Also called: EMERY-DREIFUSS MUSCULAR DYSTROPHY 4 WITH VARIABLE FEATURES. Identifiers: Orphanet 261, MedGen C2751807, MONDO:0013071, OMIM 612998.

gnomAD v4.1: 1 of 1,614,012 alleles (0.000062%); highest among the groups gnomAD compares: Non-Finnish European, 0.000085%; no homozygotes.

Submission:

MVZ Medizinische Genetik Mainz
Classification: Likely pathogenic for Emery-Dreifuss muscular dystrophy 4, autosomal dominant. Last evaluated: 2026-03-16. Review status: criteria provided, single submitter. Criteria: UK Practice Guidelines For Variant Classification V4 01 2020. Collection method: clinical testing. Allele origin: germline. Inheritance: Autosomal dominant inheritance. Affected: yes. Observed: 1 variant allele.
Comment: ACMG Criteria: PVS1,PM2_SUP